The following is an entry in ClinVar:

ClinVar aggregate classification (germline): Uncertain significance. Review status: criteria provided, multiple submitters, no conflicts (2 of 4 stars). 2 submissions from 2 submitters: Uncertain significance (2). Last evaluated 2024-12-12.

Conditions:
Hereditary cancer-predisposing syndrome. Also called: Neoplastic Syndromes, Hereditary; Tumor predisposition; Hereditary Cancer Syndrome; Hereditary neoplastic syndrome. Identifiers: Orphanet 140162, MedGen C0027672, MeSH D009386, MONDO:0015356.
Parathyroid carcinoma (PRTC). Also called: Parathyroid gland carcinoma; CDC73-Related Parathyroid Carcinoma. Identifiers: Orphanet 143, MedGen C0687150, MONDO:0012004, OMIM 608266, HP:0006780.

Allele frequency attached by ClinVar (database versions not stated): ExAC 0.00001; ESP Exome Variant Server 0.00008.
gnomAD v4.1: 2 of 1,611,842 alleles (0.00012%); highest among the groups gnomAD compares: Non-Finnish European, 0.00017%; no homozygotes.

Submissions (2):

Ambry Genetics
Classification: Uncertain significance for Hereditary cancer-predisposing syndrome. Last evaluated: 2024-12-12. Review status: criteria provided, single submitter. Criteria: Ambry Variant Classification Scheme 2023. Collection method: clinical testing. Allele origin: germline.
Comment: The p.T282N variant (also known as c.845C>A), located in coding exon 9 of the CDC73 gene, results from a C to A substitution at nucleotide position 845. The threonine at codon 282 is replaced by asparagine, an amino acid with similar properties. This amino acid position is conserved. In addition, this alteration is predicted to be tolerated by in silico analysis. Since supporting evidence is limited at this time, the clinical significance of this alteration remains unclear.

Labcorp Genetics (formerly Invitae), Labcorp
Classification: Uncertain significance for Parathyroid carcinoma. Last evaluated: 2023-01-15. Review status: criteria provided, single submitter. Criteria: Invitae Variant Classification Sherloc (09022015). Collection method: clinical testing. Allele origin: germline.
Comment: In summary, the available evidence is currently insufficient to determine the role of this variant in disease. Therefore, it has been classified as a Variant of Uncertain Significance. Advanced modeling of protein sequence and biophysical properties (such as structural, functional, and spatial information, amino acid conservation, physicochemical variation, residue mobility, and thermodynamic stability) performed at Invitae indicates that this missense variant is not expected to disrupt CDC73 protein function. ClinVar contains an entry for this variant (Variation ID: 1763451). This variant has not been reported in the literature in individuals affected with CDC73-related conditions. This variant is present in population databases (rs369024183, gnomAD 0.002%). This sequence change replaces threonine, which is neutral and polar, with asparagine, which is neutral and polar, at codon 282 of the CDC73 protein (p.Thr282Asn).

NM_024529.5(CDC73):c.845C>A (p.Thr282Asn)

Gene: CDC73 (cell division cycle 73; plus strand). Cytogenetic location: 1q31.2.
Variant type: single nucleotide variant.
Coding change: c.845C>A on transcript NM_024529.5 (MANE Select); coding-DNA position 845, C replaced by A.
Protein change: p.Thr282Asn; replaces threonine 282 with asparagine.
Molecular consequence: missense variant.
Genome position (GRCh38, 1-based): chr1:193,150,320, C>A. VCF-style: chr1-193150320-C-A. GRCh37 (hg19) VCF-style: chr1-193119450-C-A.
Other names: short protein forms T282N.
Identifiers: ClinVar variation 1763451 (VCV001763451.8), dbSNP rs369024183, ClinGen allele CA1303486.